The following is an entry in ClinVar:

ClinVar aggregate classification (germline): Uncertain significance (1 of 4 stars; one submission).

Conditions:
Familial sleep-related hypermotor epilepsy. Also called: Autosomal Dominant Sleep-Related Hypermotor (Hyperkinetic) Epilepsy. Identifiers: Orphanet 98784, MedGen C3696898, MONDO:0000030.

Allele frequency attached by ClinVar (database versions not stated): gnomAD exomes below 0.00001; ExAC 0.00001.
gnomAD v4.1: 2 of 1,614,212 alleles (0.00012%); highest among the groups gnomAD compares: South Asian, 0.0011%; no homozygotes.

Submission:

Labcorp Genetics (formerly Invitae), Labcorp
Classification: Uncertain significance. Last evaluated: 2021-07-06. Review status: criteria provided, single submitter. Criteria: Invitae Variant Classification Sherloc (09022015). Collection method: clinical testing. Allele origin: germline.
Comment: Algorithms developed to predict the effect of sequence changes on RNA splicing suggest that this variant is not likely to affect RNA splicing. In summary, the available evidence is currently insufficient to determine the role of this variant in disease. Therefore, it has been classified as a Variant of Uncertain Significance. This sequence change affects codon 122 of the CHRNB2 mRNA. It is a 'silent' change, meaning that it does not change the encoded amino acid sequence of the CHRNB2 protein. It affects a nucleotide within the consensus splice site of the intron. This variant is present in population databases (rs748227150, ExAC 0.006%). This variant has not been reported in the literature in individuals affected with CHRNB2-related conditions.

NM_000748.3(CHRNB2):c.366T>C (p.Asn122=)

Gene: CHRNB2 (cholinergic receptor nicotinic beta 2 subunit; plus strand). Cytogenetic location: 1q21.3.
Variant type: single nucleotide variant.
Coding change: c.366T>C on transcript NM_000748.3 (MANE Select); coding-DNA position 366, T replaced by C.
Protein change: p.Asn122=; no amino-acid change (asparagine 122 retained).
Molecular consequence: synonymous variant.
Genome position (GRCh38, 1-based): chr1:154,571,189, T>C. VCF-style: chr1-154571189-T-C. GRCh37 (hg19) VCF-style: chr1-154543665-T-C.
Identifiers: ClinVar variation 1404482 (VCV001404482.6), dbSNP rs748227150, ClinGen allele CA1130718.